The following is an entry in ClinVar:

NM_001267550.2(TTN):c.61138C>T (p.Leu20380=)

Genes: TTN (titin; minus strand), TTN-AS1 (TTN antisense RNA 1; plus strand). Cytogenetic location: 2q31.2.
Variant type: single nucleotide variant.
Coding change: c.61138C>T on transcript NM_001267550.2 (MANE Select); coding-DNA position 61138, C replaced by T.
Protein change: p.Leu20380=; no amino-acid change (leucine 20380 retained).
Molecular consequence: synonymous variant.
Genome position (GRCh38, 1-based): chr2:178,590,587, G>A on the plus strand (C>T on the coding strand, the complement: TTN is on the minus strand). VCF-style: chr2-178590587-G-A. GRCh37 (hg19) VCF-style: chr2-179455314-G-A.
Other names: c.53434C>T, p.Leu17812= (NM_133378.4); c.56215C>T, p.Leu18739= (NM_001256850.1); c.33943C>T, p.Leu11315= (NM_003319.4); c.34318C>T, p.Leu11440= (NM_133432.3); c.34519C>T, p.Leu11507= (NM_133437.4).
Identifiers: ClinVar variation 228118 (VCV000228118.5), dbSNP rs201167216, ClinGen allele CA10576502.

ClinVar aggregate classification (germline): Likely benign (1 of 4 stars; one submission).

gnomAD v4.1: 3 of 1,612,516 alleles (0.00019%); highest among the groups gnomAD compares: Admixed American, 0.0017%; no homozygotes.

Submission:

Laboratory for Molecular Medicine, Mass General Brigham Personalized Medicine
Classification: Likely benign. Last evaluated: 2015-02-03. Review status: criteria provided, single submitter. Criteria: LMM Criteria. Collection method: clinical testing. Allele origin: germline. Observed: 1 variant allele.
Comment: p.Leu17812Leu in exon 253 of TTN: This variant is not expected to have clinical significance because it does not alter an amino acid residue and is not located within the splice consensus sequence.